The following is an entry in ClinVar:

ClinVar aggregate classification (germline): Uncertain significance (1 of 4 stars; one submission).

Conditions:
Long QT syndrome (LQTS). Identifiers: MedGen C0023976, MeSH D008133, MONDO:0002442. Disease mechanism: loss of function. Inheritance: Various modes of inheritance.

Submission:

Labcorp Genetics (formerly Invitae), Labcorp
Classification: Uncertain significance for Long QT syndrome. Last evaluated: 2019-08-21. Review status: criteria provided, single submitter. Criteria: Invitae Variant Classification Sherloc (09022015). Collection method: clinical testing. Allele origin: germline.
Comment: In summary, the available evidence is currently insufficient to determine the role of this variant in disease. Therefore, it has been classified as a Variant of Uncertain Significance. Algorithms developed to predict the effect of missense changes on protein structure and function (SIFT, PolyPhen-2, Align-GVGD) all suggest that this variant is likely to be tolerated, but these predictions have not been confirmed by published functional studies and their clinical significance is uncertain. This variant has not been reported in the literature in individuals with KCNH2-related conditions. The frequency data for this variant in the population databases is considered unreliable, as metrics indicate insufficient coverage at this position in the ExAC database. This sequence change replaces glutamine with arginine at codon 1046 of the KCNH2 protein (p.Gln1046Arg). The glutamine residue is moderately conserved and there is a small physicochemical difference between glutamine and arginine.

NM_000238.4(KCNH2):c.3137A>G (p.Gln1046Arg)

Gene: KCNH2 (potassium voltage-gated channel subfamily H member 2; minus strand). Cytogenetic location: 7q36.1.
Variant type: single nucleotide variant.
Coding change: c.3137A>G on transcript NM_000238.4 (MANE Select); coding-DNA position 3137, A replaced by G.
Protein change: p.Gln1046Arg; replaces glutamine 1046 with arginine.
Molecular consequence: missense variant.
Genome position (GRCh38, 1-based): chr7:150,947,343, T>C on the plus strand (A>G on the coding strand, the complement: KCNH2 is on the minus strand). VCF-style: chr7-150947343-T-C. GRCh37 (hg19) VCF-style: chr7-150644431-T-C.
Other names: c.2117A>G, p.Gln706Arg (NM_172057.3); short protein forms Q706R, Q1046R.
Identifiers: ClinVar variation 958659 (VCV000958659.9), dbSNP rs1800934521, ClinGen allele CA369852521.